The following is an entry in ClinVar:

NM_006947.4(SRP72):c.29C>T (p.Ser10Leu)

Genes: SRP72 (signal recognition particle 72; plus strand), LOC129992625 (ATAC-STARR-seq lymphoblastoid active region 21580; plus strand). Cytogenetic location: 4q12.
Variant type: single nucleotide variant.
Coding change: c.29C>T on transcript NM_006947.4 (MANE Select); coding-DNA position 29, C replaced by T.
Protein change: p.Ser10Leu; replaces serine 10 with leucine.
Molecular consequence: missense variant. On other transcripts: non-coding transcript variant (1).
Genome position (GRCh38, 1-based): chr4:56,467,664, C>T. VCF-style: chr4-56467664-C-T. GRCh37 (hg19) VCF-style: chr4-57333830-C-T.
Other names: c.29C>T, p.Ser10Leu (NM_001267722.2); short protein forms S10L.
Identifiers: ClinVar variation 904985 (VCV000904985.8), dbSNP rs752240949, ClinGen allele CA2930934.

ClinVar aggregate classification (germline): Uncertain significance. Review status: criteria provided, multiple submitters, no conflicts (2 of 4 stars). 3 submissions from 3 submitters: Uncertain significance (3). Last evaluated 2024-12-08.

Conditions:
Autosomal dominant aplasia and myelodysplasia. Also called: Bone marrow failure syndrome 1. Identifiers: Orphanet 314399, MedGen C3808553, MONDO:0013851, OMIM 614675.

Allele frequency attached by ClinVar (database versions not stated): gnomAD exomes below 0.00001; ExAC 0.00001; gnomAD 0.00001; TOPMed 0.00001.
gnomAD v4.1: 25 of 1,559,142 alleles (0.0016%); highest among the groups gnomAD compares: East Asian, 0.0051%; no homozygotes.

Submissions (3):

Ambry Genetics
Classification: Uncertain significance. Last evaluated: 2024-12-08. Review status: criteria provided, single submitter. Criteria: Ambry Variant Classification Scheme 2023. Collection method: clinical testing. Allele origin: germline.
Comment: The p.S10L variant (also known as c.29C>T), located in coding exon 1 of the SRP72 gene, results from a C to T substitution at nucleotide position 29. The serine at codon 10 is replaced by leucine, an amino acid with dissimilar properties. This amino acid position is conserved. In addition, this alteration is predicted to be tolerated by in silico analysis. Based on the available evidence, the clinical significance of this variant remains unclear.

Labcorp Genetics (formerly Invitae), Labcorp
Classification: Uncertain significance. Last evaluated: 2024-11-07. Review status: criteria provided, single submitter. Criteria: Invitae Variant Classification Sherloc (09022015). Collection method: clinical testing. Allele origin: germline.
Comment: This sequence change replaces serine, which is neutral and polar, with leucine, which is neutral and non-polar, at codon 10 of the SRP72 protein (p.Ser10Leu). The frequency data for this variant in the population databases is considered unreliable, as metrics indicate poor data quality at this position in the gnomAD database. This variant has not been reported in the literature in individuals affected with SRP72-related conditions. ClinVar contains an entry for this variant (Variation ID: 904985). An algorithm developed to predict the effect of missense changes on protein structure and function (PolyPhen-2) suggests that this variant is likely to be disruptive. In summary, the available evidence is currently insufficient to determine the role of this variant in disease. Therefore, it has been classified as a Variant of Uncertain Significance.

Illumina Laboratory Services, Illumina
Classification: Uncertain significance for Autosomal dominant aplasia and myelodysplasia. Last evaluated: 2018-01-12. Review status: criteria provided, single submitter. Criteria: ICSL Variant Classification Criteria 13 December 2019. Collection method: clinical testing. Allele origin: germline.